The following is an entry in ClinVar:

ClinVar aggregate classification (germline): Uncertain significance (1 of 4 stars; one submission).

Conditions:
Pilarowski-Bjornsson syndrome. Also called: DEVELOPMENTAL DELAY AND SPEECH APRAXIA WITH OR WITHOUT SEIZURES. Identifiers: Orphanet 529965, MedGen C4540131, MONDO:0060568, OMIM 617682.

Allele frequency attached by ClinVar (database versions not stated): gnomAD exomes below 0.00001.
gnomAD v4.1: 1 of 1,565,882 alleles (0.000064%); highest among the groups gnomAD compares: South Asian, 0.0012%; no homozygotes.

Submission:

Baylor Genetics
Classification: Uncertain significance for Pilarowski-Bjornsson syndrome. Last evaluated: 2019-10-30. Review status: criteria provided, single submitter. Criteria: ACMG Guidelines, 2015. Collection method: clinical testing. Allele origin: unknown. Affected: yes.
Comment: This variant was determined to be of uncertain significance according to ACMG Guidelines, 2015 [PMID:25741868].

NM_001270.4(CHD1):c.4551G>T (p.Leu1517Phe)

Gene: CHD1 (chromodomain helicase DNA binding protein 1; minus strand). Cytogenetic location: 5q15.
Variant type: single nucleotide variant.
Coding change: c.4551G>T on transcript NM_001270.4 (MANE Select); coding-DNA position 4551, G replaced by T.
Protein change: p.Leu1517Phe; replaces leucine 1517 with phenylalanine.
Molecular consequence: missense variant. On other transcripts: non-coding transcript variant (2).
Genome position (GRCh38, 1-based): chr5:98,858,989, C>A on the plus strand (G>T on the coding strand, the complement: CHD1 is on the minus strand). VCF-style: chr5-98858989-C-A. GRCh37 (hg19) VCF-style: chr5-98194693-C-A.
Other names: c.4815G>T, p.Leu1605Phe (NM_001364113.3); c.4551G>T, p.Leu1517Phe (NM_001376194.2); short protein forms L1517F, L1605F.
Identifiers: ClinVar variation 1027856 (VCV001027856.1), dbSNP rs1748258742, ClinGen allele CA360517819.